The following is an entry in ClinVar:

ClinVar aggregate classification (germline): Uncertain significance (1 of 4 stars; one submission).

Conditions:
Hereditary cancer-predisposing syndrome. Also called: Hereditary neoplastic syndrome; Tumor predisposition; Hereditary Cancer Syndrome; Neoplastic Syndromes, Hereditary. Identifiers: Orphanet 140162, MedGen C0027672, MeSH D009386, MONDO:0015356.

Submission:

Ambry Genetics
Classification: Uncertain significance for Hereditary cancer-predisposing syndrome. Last evaluated: 2023-07-13. Review status: criteria provided, single submitter. Criteria: Ambry Variant Classification Scheme 2023. Collection method: clinical testing. Allele origin: germline.
Comment: The p.K1403* variant (also known as c.4207A>T), located in coding exon 21 of the BLM gene, results from an A to T substitution at nucleotide position 4207. This changes the amino acid from a lysine to a stop codon within coding exon 21. This alteration occurs at the 3' terminus of theBLM gene, is not expected to trigger nonsense-mediated mRNAdecay, and only impacts the last 15 amino acids of the protein. The exact functional effect of this alteration is unknown. Since supporting evidence is limited at this time, the clinical significance of this alteration remains unclear.

NM_000057.4(BLM):c.4207A>T (p.Lys1403Ter)

Gene: BLM (BLM RecQ like helicase; plus strand). Cytogenetic location: 15q26.1.
Variant type: single nucleotide variant.
Coding change: c.4207A>T on transcript NM_000057.4 (MANE Select); coding-DNA position 4207, A replaced by T.
Protein change: p.Lys1403Ter; replaces lysine 1403 with a stop codon.
Molecular consequence: nonsense.
Genome position (GRCh38, 1-based): chr15:90,815,232, A>T. VCF-style: chr15-90815232-A-T. GRCh37 (hg19) VCF-style: chr15-91358462-A-T.
Other names: c.4207A>T, p.Lys1403Ter (NM_001287246.2); c.3814A>T, p.Lys1272Ter (NM_001287247.2); c.3082A>T, p.Lys1028Ter (NM_001287248.2); short protein forms K1028*, K1272*, K1403*.
Identifiers: ClinVar variation 2586877 (VCV002586877.2), dbSNP rs2505575770, ClinGen allele CA393852672.